The following is an entry in ClinVar:

NM_003816.3(ADAM9):c.1868GTG[1] (p.Gly624del)

Gene: ADAM9 (ADAM metallopeptidase domain 9; plus strand). Cytogenetic location: 8p11.22.
Variant type: Microsatellite.
Coding change: c.1868GTG[1] on transcript NM_003816.3 (MANE Select); one copy of the 3-base unit GTG starting at c.1868; the reference has two copies in a row; one copy, 3 bases deleted.
Protein change: p.Gly624del; deletes glycine 624.
Molecular consequence: inframe deletion. On other transcripts: non-coding transcript variant (3).
Genome position (GRCh38, 1-based): chr8:39,077,401-39,077,403, GTG deleted; deleting any 3 consecutive bases within chr8:39,077,398-39,077,403 gives the same sequence; the position shown is the placement nearest the transcript's 3' end. VCF-style (leftmost placement, unchanged base first): chr8-39077397-TGTG-T. GRCh37 (hg19) VCF-style: chr8-38934916-TGTG-T.
Other names: short protein forms G624del.
Identifiers: ClinVar variation 2097510 (VCV002097510.4), dbSNP rs2536369588, ClinGen allele CA2580614339.

ClinVar aggregate classification (germline): Uncertain significance (1 of 4 stars; one submission).

Submission:

Labcorp Genetics (formerly Invitae), Labcorp
Classification: Uncertain significance. Last evaluated: 2022-02-15. Review status: criteria provided, single submitter. Criteria: Invitae Variant Classification Sherloc (09022015). Collection method: clinical testing. Allele origin: germline.
Comment: This variant is not present in population databases (gnomAD no frequency). This variant, c.1871_1873del, results in the deletion of 1 amino acid(s) of the ADAM9 protein (p.Gly624del), but otherwise preserves the integrity of the reading frame. This variant has not been reported in the literature in individuals affected with ADAM9-related conditions. Experimental studies and prediction algorithms are not available or were not evaluated, and the functional significance of this variant is currently unknown. In summary, the available evidence is currently insufficient to determine the role of this variant in disease. Therefore, it has been classified as a Variant of Uncertain Significance.